The following is an entry in ClinVar:

ClinVar aggregate classification (germline): Pathogenic (1 of 4 stars; one submission).

Conditions:
Chromosome 5Q14.3 deletion syndrome, distal. Also called: PERIVENTRICULAR NODULAR HETEROTOPIA 5. Identifiers: Orphanet 2149, MedGen C2752071, MONDO:0013031, OMIM 612881.

Submission:

Institute of Human Genetics, University of Leipzig Medical Center
Classification: Pathogenic for Chromosome 5Q14.3 deletion syndrome, distal. Last evaluated: 2024-12-12. Review status: criteria provided, single submitter. Criteria: ACMG Guidelines, 2015. Collection method: clinical testing. Allele origin: maternal. Inheritance: Autosomal dominant inheritance. Affected: yes.
Comment: Criteria applied: PVS1,PM2

NM_005909.5(MAP1B):c.2079_2082del (p.Lys694fs)

Gene: MAP1B (microtubule associated protein 1B; plus strand). Cytogenetic location: 5q13.2.
Variant type: Deletion.
Coding change: c.2079_2082del on transcript NM_005909.5 (MANE Select); coding-DNA positions 2079 to 2082, 4 bases deleted (AAAA; older notation c.2079_2082delAAAA).
Protein change: p.Lys694fs; shifts the reading frame from lysine 694.
Molecular consequence: frameshift variant.
Genome position (GRCh38, 1-based): chr5:72,195,434-72,195,437, AAAA deleted; deleting any 4 consecutive bases within chr5:72,195,432-72,195,437 gives the same sequence; the c. name uses the placement nearest the transcript's 3' end. VCF-style (leftmost placement, unchanged base first): chr5-72195431-GAAAA-G. GRCh37 (hg19) VCF-style: chr5-71491258-GAAAA-G.
Other names: c.1701_1704del, p.Lys568fs (NM_001324255.2); short protein forms K568fs, K694fs.
Identifiers: ClinVar variation 3572902 (VCV003572902.2).
Genomic context (GRCh38, chr5:72,195,431, plus strand): 5'-GGAAAAACCAAAAAAGGAAGAGGTGAAAAAAGAAGTCAAAAAAGAGATCAAGAAAGAAGA[GAAAA>G]AAGAACCCAAGAAAGAGGTTAAGAAAGAAACACCGCCAAAGGAAGTCAAGAAGGAAGTTA-3'